The following is an entry in ClinVar:

NM_182476.3(COQ6):c.1115A>G (p.His372Arg)

Genes: COQ6 (coenzyme Q6, monooxygenase; plus strand), ENTPD5 (ectonucleoside triphosphate diphosphohydrolase 5; minus strand). Cytogenetic location: 14q24.3.
Variant type: single nucleotide variant.
Coding change: c.1115A>G on transcript NM_182476.3 (MANE Select); coding-DNA position 1115, A replaced by G.
Protein change: p.His372Arg; replaces histidine 372 with arginine.
Molecular consequence: missense variant. On other transcripts: 3 prime UTR variant (1), intron variant (5).
Genome position (GRCh38, 1-based): chr14:73,961,475, A>G. VCF-style: chr14-73961475-A-G. GRCh37 (hg19) VCF-style: chr14-74428178-A-G.
Other names: p.His372Arg; c.1115A>G, p.His372Arg (NM_001425255.1); c.1007A>G, p.His336Arg (NM_001425256.1); c.950A>G, p.His317Arg (NM_001425257.1); c.932A>G, p.His311Arg (NM_001425258.1); c.890A>G, p.His297Arg (NM_001425259.1, NM_001425260.1, NM_001425261.1); c.860A>G, p.His287Arg (NM_001425262.1); c.788A>G, p.His263Arg (NM_001425263.1); and 6 more; short protein forms H192R, H263R, H287R, H297R, H311R, H317R, H336R, H347R.
Identifiers: ClinVar variation 3380220 (VCV003380220.1).

ClinVar aggregate classification (germline): Uncertain significance (1 of 4 stars; one submission).

gnomAD v4.1: 3 of 1,614,052 alleles (0.00019%); highest among the groups gnomAD compares: South Asian, 0.0033%; no homozygotes.

Submission:

Mayo Clinic Laboratories, Mayo Clinic
Classification: Uncertain significance. Last evaluated: 2024-02-02. Review status: criteria provided, single submitter. Criteria: ACMG Guidelines, 2015. Collection method: clinical testing. Allele origin: germline. Observed: 1 variant allele.
Comment: PP3